The following is an entry in ClinVar:

NM_004736.4(XPR1):c.665del (p.Pro222fs)

Gene: XPR1 (xenotropic and polytropic retrovirus receptor 1; plus strand). Cytogenetic location: 1q25.3.
Variant type: Deletion.
Coding change: c.665del on transcript NM_004736.4 (MANE Select); coding-DNA position 665, one base deleted (C; older notation c.665delC).
Protein change: p.Pro222fs; shifts the reading frame from proline 222.
Molecular consequence: frameshift variant. On other transcripts: non-coding transcript variant (1).
Genome position (GRCh38, 1-based): chr1:180,806,541, C deleted; the last of 6 consecutive C bases (chr1:180,806,536-180,806,541); deleting any one gives the same sequence. VCF-style (leftmost placement, unchanged base first): chr1-180806535-TC-T. GRCh37 (hg19) VCF-style: chr1-180775671-TC-T.
Other names: c.665delC (NM_004736.4); c.665del, p.Pro222fs (NM_001135669.2, NM_001328662.2); short protein forms P222fs.
Identifiers: ClinVar variation 4526216 (VCV004526216.1).

ClinVar aggregate classification (germline): Uncertain significance (1 of 4 stars; one submission).

Submission:

Women's Health and Genetics/Laboratory Corporation of America, LabCorp
Classification: Uncertain significance. Last evaluated: 2025-07-24. Review status: criteria provided, single submitter. Criteria: LabCorp Variant Classification Summary - May 2015. Collection method: clinical testing. Allele origin: germline.
Comment: Variant summary: XPR1 c.665delC (p.Pro222LeufsX26) results in a premature termination codon, predicted to cause a truncation of the encoded protein or absence of the protein due to nonsense mediated decay, however current evidence is not sufficient to establish loss of function as a mechanism for disease. The variant was absent in 251348 control chromosomes (gnomAD). The available data on variant occurrences in the general population are insufficient to allow any conclusion about variant significance. To our knowledge, no occurrence of c.665delC in individuals affected with Basal Ganglia Calcification, Idiopathic, 6 and no experimental evidence demonstrating its impact on protein function have been reported. No submitters have cited clinical-significance assessments for this variant to ClinVar. Based on the evidence outlined above, the variant was classified as uncertain significance.